The following is an entry in ClinVar:

NM_001077365.2(POMT1):c.711_712insA (p.Cys238fs)

Gene: POMT1 (protein O-mannosyltransferase 1; plus strand). Cytogenetic location: 9q34.13.
Variant type: Insertion.
Coding change: c.711_712insA on transcript NM_001077365.2 (MANE Select); coding-DNA positions 711 to 712, A inserted.
Protein change: p.Cys238fs; shifts the reading frame from cysteine 238.
Molecular consequence: frameshift variant. On other transcripts: 5 prime UTR variant (1), non-coding transcript variant (10).
Genome position: GRCh38 VCF-style: chr9-131510271-C-CA. GRCh37 (hg19) VCF-style: chr9-134385658-C-CA.
Other names: c.549_550insA, p.Cys184fs (NM_001077366.2, NM_001353194.2, NM_001374693.1); c.711_712insA, p.Cys238fs (NM_001136113.2, NM_001374690.1); c.360_361insA, p.Cys121fs (NM_001136114.2, NM_001353195.2, NM_001374691.1 and 1 more transcripts); c.777_778insA, p.Cys260fs (NM_001353193.2, NM_007171.4); c.621_622insA, p.Cys208fs (NM_001353196.2); c.615_616insA, p.Cys206fs (NM_001353197.2, NM_001353198.2); c.426_427insA, p.Cys143fs (NM_001353199.2); c.255_256insA, p.Cys86fs (NM_001353200.2); and 3 more; short protein forms C121fs, C143fs, C184fs, L232fs, C206fs, C208fs, C238fs, C86fs.
Identifiers: ClinVar variation 4787437 (VCV004787437.1).

ClinVar aggregate classification (germline): Pathogenic (1 of 4 stars; one submission).

Conditions:
Walker-Warburg congenital muscular dystrophy. Also called: Muscular dystrophy-dystroglycanopathy, type A; Walker-Warburg syndrome. Identifiers: Orphanet 899, MedGen C0265221, MONDO:0000171.
Muscular dystrophy-dystroglycanopathy (congenital with impaired intellectual development), type B, 1. Also called: MUSCULAR DYSTROPHY, CONGENITAL, POMT1-RELATED; Muscular dystrophy-dystroglycanopathy (congenital with intellectual disability), type B1. Identifiers: MedGen C5436962, MONDO:0013159, OMIM 613155.
Autosomal recessive limb-girdle muscular dystrophy type 2K. Also called: MUSCULAR DYSTROPHY-DYSTROGLYCANOPATHY (LIMB-GIRDLE), TYPE C, 1; MUSCULAR DYSTROPHY, LIMB-GIRDLE, TYPE 2K. Identifiers: Orphanet 86812, MedGen C1836373, MONDO:0012248, OMIM 609308.

Submission:

Labcorp Genetics (formerly Invitae), Labcorp
Classification: Pathogenic for Muscular dystrophy-dystroglycanopathy (congenital with impaired intellectual development), type B, 1; Walker-Warburg congenital muscular dystrophy; Autosomal recessive limb-girdle muscular dystrophy type 2K. Last evaluated: 2025-02-23. Review status: criteria provided, single submitter. Criteria: Invitae Variant Classification Sherloc (09022015). Collection method: clinical testing. Allele origin: germline.
Comment: This sequence change creates a premature translational stop signal (p.Cys260Metfs*94) in the POMT1 gene. It is expected to result in an absent or disrupted protein product. Loss-of-function variants in POMT1 are known to be pathogenic (PMID: 12369018, 15637732, 16575835). This variant is present in population databases (rs766077786, gnomAD 0.0009%). This variant has not been reported in the literature in individuals affected with POMT1-related conditions. For these reasons, this variant has been classified as Pathogenic.

Literature cited by the submitters: PubMed 12369018; PubMed 15637732; PubMed 16575835.